The following is an entry in ClinVar:

NM_002317.7(LOX):c.974T>C (p.Leu325Pro)

Genes: LOX (lysyl oxidase; minus strand), SRFBP1 (serum response factor binding protein 1; plus strand). Cytogenetic location: 5q23.1.
Variant type: single nucleotide variant.
Coding change: c.974T>C on transcript NM_002317.7 (MANE Select); coding-DNA position 974, T replaced by C.
Protein change: p.Leu325Pro; replaces leucine 325 with proline.
Molecular consequence: missense variant.
Genome position (GRCh38, 1-based): chr5:122,074,074, A>G on the plus strand (T>C on the coding strand, the complement: LOX is on the minus strand). VCF-style: chr5-122074074-A-G. GRCh37 (hg19) VCF-style: chr5-121409769-A-G.
Other names: c.284T>C, p.Leu95Pro (NM_001178102.2); c.83T>C, p.Leu28Pro (NM_001317073.1); short protein forms L28P, L325P, L95P.
Identifiers: ClinVar variation 4614545 (VCV004614545.1).
Genomic context (GRCh38, chr5:122,074,074, plus strand): 5'-TGTGTGTGTGCAGTACATGCAAATCGCCTGTGGTAGCCATAGTCACAGGATGTGTCTTCA[A>G]GACAGAAACTTGCTTTGTGGCCTTCAGCCACTCTCCTCTGGGTGTTGGCATCAAGCAGGT-3'
Protein context (NP_002308.2, residues 315-335): VAEGHKASFC[Leu325Pro]EDTSCDYGYH

ClinVar aggregate classification (germline): Uncertain significance (1 of 4 stars; one submission).

Conditions:
Cardiovascular phenotype. Identifiers: MedGen CN230736.

Submission:

Ambry Genetics
Classification: Uncertain significance for Cardiovascular phenotype. Last evaluated: 2025-10-27. Review status: criteria provided, single submitter. Criteria: Ambry Variant Classification Scheme 2023. Collection method: clinical testing. Allele origin: germline.
Comment: The p.L325P variant (also known as c.974T>C), located in coding exon 4 of the LOX gene, results from a T to C substitution at nucleotide position 974. The leucine at codon 325 is replaced by proline, an amino acid with similar properties. This amino acid position is conserved. In addition, this alteration is predicted to be deleterious by in silico analysis. Based on the available evidence, the clinical significance of this variant remains unclear.